The following is an entry in ClinVar:

NM_020937.4(FANCM):c.195G>A (p.Glu65=)

Gene: FANCM (FA complementation group M; plus strand). Cytogenetic location: 14q21.2.
Variant type: single nucleotide variant.
Coding change: c.195G>A on transcript NM_020937.4 (MANE Select); coding-DNA position 195, G replaced by A.
Protein change: p.Glu65=; no amino-acid change (glutamic acid 65 retained).
Molecular consequence: synonymous variant.
Genome position (GRCh38, 1-based): chr14:45,136,226, G>A. VCF-style: chr14-45136226-G-A. GRCh37 (hg19) VCF-style: chr14-45605429-G-A.
Other names: c.195G>A, p.Glu65= (NM_001308133.2, NM_001308134.2); c.195G>A (NM_020937.3, NM_020937.2).
Identifiers: ClinVar variation 1083472 (VCV001083472.11), dbSNP rs1885485132, ClinGen allele CA486346357.

ClinVar aggregate classification (germline): Conflicting classifications of pathogenicity. Review status: criteria provided, conflicting classifications (1 of 4 stars). 3 submissions from 3 submitters: Uncertain significance (1); Likely benign (2). Last evaluated 2025-02-25.

Conditions:
Inborn genetic diseases. Identifiers: MedGen C0950123, MeSH D030342.
Fanconi anemia (FA). Also called: Fanconi's anemia. Identifiers: Orphanet 84, MedGen C0015625, MeSH D005199, MONDO:0019391.

Allele frequency attached by ClinVar (database versions not stated): TOPMed below 0.00001; gnomAD exomes 0.00001.
gnomAD v4.1: 8 of 1,614,200 alleles (0.0005%); highest among the groups gnomAD compares: Non-Finnish European, 0.00068%; no homozygotes.

Submissions (3):

Ambry Genetics
Classification: Likely benign for Inborn genetic diseases. Last evaluated: 2025-02-25. Review status: criteria provided, single submitter. Criteria: Ambry Variant Classification Scheme 2023. Collection method: clinical testing. Allele origin: germline.

Quest Diagnostics Nichols Institute San Juan Capistrano
Classification: Uncertain significance. Last evaluated: 2023-05-23. Review status: criteria provided, single submitter. Criteria: Quest Diagnostics criteria. Collection method: clinical testing. Allele origin: unknown.
Comment: To the best of our knowledge, this variant has not been reported in the published literature. It also has not been reported in large, multi-ethnic general populations (Genome Aggregation Database). Analysis of this variant using software algorithms for the prediction of the effect of nucleotide changes on splicing yielded predictions that this variant does not affect FANCM mRNA splicing . Based on the available information, we are unable to determine the clinical significance of this variant.

Labcorp Genetics (formerly Invitae), Labcorp
Classification: Likely benign for Fanconi anemia. Last evaluated: 2021-02-04. Review status: criteria provided, single submitter. Criteria: Invitae Variant Classification Sherloc (09022015). Collection method: clinical testing. Allele origin: germline.